The following is an entry in ClinVar:

NM_020631.4(PLEKHG5):c.-27926C>T

Genes: PLEKHG5 (pleckstrin homology and RhoGEF domain containing G5; minus strand), LOC129388429 (MPRA-validated peak31 silencer; plus strand). Cytogenetic location: 1p36.31.
Variant type: single nucleotide variant.
Coding change: c.-27926C>T on transcript NM_020631.4; 27926 bases upstream of the start codon, C replaced by T.
Molecular consequence: 5 prime UTR variant (on NM_198681.4).
Genome position (GRCh38, 1-based): chr1:6,519,475, G>A on the plus strand (C>T on the coding strand, the complement: PLEKHG5 is on the minus strand). VCF-style: chr1-6519475-G-A. GRCh37 (hg19) VCF-style: chr1-6579535-G-A.
Other names: c.-195C>T (NM_198681.4).
Identifiers: ClinVar variation 1192279 (VCV001192279.3), dbSNP rs534044053, ClinGen allele CA562154.

ClinVar aggregate classification (germline): Uncertain significance (1 of 4 stars; one submission).

Allele frequency attached by ClinVar (database versions not stated): gnomAD 0.00002 and 0.00003; TOPMed 0.00002; 1000 Genomes Project 30x 0.00016; 1000 Genomes Project 0.00020; gnomAD exomes 0.00003 and 0.00008; ExAC 0.00007.
gnomAD v4.1: 57 of 1,613,862 alleles (0.0035%); highest among the groups gnomAD compares: South Asian, 0.038%; no homozygotes.

Submission:

Women's Health and Genetics/Laboratory Corporation of America, LabCorp
Classification: Uncertain significance. Last evaluated: 2021-07-19. Review status: criteria provided, single submitter. Criteria: LabCorp Variant Classification Summary - May 2015. Collection method: clinical testing. Allele origin: germline.
Comment: Variant summary: PLEKHG5 c.-27926C>T is located in the untranscribed region upstream of the PLEKHG5 gene region for NM_020631.4. NM_020631.6 is the 'MANE SELECT' transcript for PLEKHG5 gene (i.e. "One high-quality representative transcript per protein-coding gene that is well-supported by experimental data and represents the biology of the gene"). This variant results in a stop codon (c.37C>T, p.Arg13X) in exon 1 of a different transcript (NM_198681.3). According to GTExPortal, this region of the gene is not expressed or very minimally expressed in various human tissue sites studied. The variant allele was found at a frequency of 7.6e-05 in 249424 control chromosomes (gnomAD). This frequency is not higher than expected for a pathogenic variant in PLEKHG5 causing Distal Spinal Muscular Atrophy, Autosomal Recessive 4 (7.6e-05 vs 0.0011), allowing no conclusion about variant significance. To our knowledge, no occurrence of c.-27926C>T (or c.37C>T) in individuals affected with Distal Spinal Muscular Atrophy, Autosomal Recessive 4 and no experimental evidence demonstrating its impact on protein function have been reported. No clinical diagnostic laboratories have submitted clinical-significance assessments for this variant to ClinVar after 2014. Based on the evidence outlined above, the variant was classified as uncertain significance.